The following is an entry in ClinVar:

NM_005235.3(ERBB4):c.473C>A (p.Ala158Glu)

Gene: ERBB4 (erb-b2 receptor tyrosine kinase 4; minus strand). Cytogenetic location: 2q34.
Variant type: single nucleotide variant.
Coding change: c.473C>A on transcript NM_005235.3 (MANE Select); coding-DNA position 473, C replaced by A.
Protein change: p.Ala158Glu; replaces alanine 158 with glutamic acid.
Molecular consequence: missense variant.
Genome position (GRCh38, 1-based): chr2:211,788,108, G>T on the plus strand (C>A on the coding strand, the complement: ERBB4 is on the minus strand). VCF-style: chr2-211788108-G-T. GRCh37 (hg19) VCF-style: chr2-212652833-G-T.
Other names: c.473C>A, p.Ala158Glu (NM_001042599.2); short protein forms A158E.
Identifiers: ClinVar variation 1542047 (VCV001542047.10), dbSNP rs370840578, ClinGen allele CA2088426.
Genomic context (GRCh38, chr2:211,788,108, plus strand): 5'-ACAAGAGTCAAGTTGGAAGGCCATGGGTTCCGAACAATATCTTGCCAATGAATGGTGTCT[G>T]CATAACAAAGGAATTTGTTCTGGTCTACATAGACTCCACCATTTAGGATTTCTGTATTAA-3'
Protein context (NP_005226.1, residues 148-168): YVDQNKFLCY[Ala158Glu]DTIHWQDIVR

ClinVar aggregate classification (germline): Likely benign. Review status: criteria provided, single submitter (1 of 4 stars). 2 submissions from 2 submitters: Likely benign (1). 1 of the submissions does not count toward it. Last evaluated 2025-10-20.

Conditions:
ERBB4-related disorder. Also called: ERBB4-related condition.

Allele frequency attached by ClinVar (database versions not stated): 1000 Genomes Project 30x 0.00016; 1000 Genomes Project 0.00020; gnomAD exomes 0.00023 and 0.00015; ExAC 0.00024; TOPMed 0.00003; gnomAD 0.00004 and 0.00009; ESP Exome Variant Server 0.00008.
gnomAD v4.1: 234 of 1,611,748 alleles (0.015%); highest among the groups gnomAD compares: South Asian, 0.16%; 3 homozygotes.

Submissions (2):

Labcorp Genetics (formerly Invitae), Labcorp
Classification: Likely benign. Last evaluated: 2025-10-20. Review status: criteria provided, single submitter. Criteria: Invitae Variant Classification Sherloc (09022015). Collection method: clinical testing. Allele origin: germline.

PreventionGenetics, part of Exact Sciences
Classification: Likely benign for ERBB4-related condition. Last evaluated: 2023-12-24. Review status: no assertion criteria provided. Collection method: clinical testing. Allele origin: germline. Not counted in ClinVar's aggregate classification.
Comment: This variant is classified as likely benign based on ACMG/AMP sequence variant interpretation guidelines (Richards et al. 2015 PMID: 25741868, with internal and published modifications).